The following is an entry in ClinVar:

ClinVar aggregate classification (germline): Likely pathogenic (1 of 4 stars; one submission).

Conditions:
Hereditary von Willebrand disease. Identifiers: Orphanet 903, MedGen C5703318, MONDO:0019565. Inheritance: Autosomal recessive or Autosomal dominant.

gnomAD v4.1: 1 of 1,614,050 alleles (0.000062%); highest among the groups gnomAD compares: Non-Finnish European, 0.000085%; no homozygotes.

Submission:

North West Genomic Laboratory Hub, Manchester University NHS Foundation Trust
Classification: Likely pathogenic for von Willebrand disease. Last evaluated: 2025-05-14. Review status: criteria provided, single submitter. Criteria: ACGS Best Practice Guidelines for Variant Classification in Rare Disease 2024. Collection method: clinical testing. Allele origin: germline. Affected: yes.
Comment: PM2_Mod PP4_Mod PVS1_Mod

NM_000552.5(VWF):c.997+1G>A

Gene: VWF (von Willebrand factor; minus strand). Cytogenetic location: 12p13.31.
Variant type: single nucleotide variant.
Coding change: c.997+1G>A on transcript NM_000552.5 (MANE Select); the canonical splice donor site of the intron after coding-DNA position 997, G replaced by A.
Molecular consequence: splice donor variant.
Genome position (GRCh38, 1-based): chr12:6,073,618, C>T on the plus strand (G>A on the coding strand, the complement: VWF is on the minus strand). VCF-style: chr12-6073618-C-T. GRCh37 (hg19) VCF-style: chr12-6182784-C-T.
Identifiers: ClinVar variation 4852405 (VCV004852405.1).